The following is an entry in ClinVar:

ClinVar aggregate classification (germline): Likely benign. Review status: criteria provided, single submitter (1 of 4 stars). 2 submissions from 2 submitters: Likely benign (1). 1 of the submissions does not count toward it. Last evaluated 2025-11-08.

Conditions:
SGPL1-related disorder. Also called: SGPL1-related condition. Identifiers: MedGen CN380158.

Allele frequency attached by ClinVar (database versions not stated): gnomAD 0.00005; gnomAD exomes 0.00005; TOPMed 0.00005; ExAC 0.00007; ESP Exome Variant Server 0.00023.
gnomAD v4.1: 89 of 1,614,048 alleles (0.0055%); highest among the groups gnomAD compares: Non-Finnish European, 0.0012%; no homozygotes.

Submissions (2):

Labcorp Genetics (formerly Invitae), Labcorp
Classification: Likely benign. Last evaluated: 2025-11-08. Review status: criteria provided, single submitter. Criteria: Invitae Variant Classification Sherloc (09022015). Collection method: clinical testing. Allele origin: germline.

PreventionGenetics, part of Exact Sciences
Classification: Likely benign for SGPL1-related condition. Last evaluated: 2022-12-16. Review status: no assertion criteria provided. Collection method: clinical testing. Allele origin: germline. Not counted in ClinVar's aggregate classification.
Comment: This variant is classified as likely benign based on ACMG/AMP sequence variant interpretation guidelines (Richards et al. 2015 PMID: 25741868, with internal and published modifications).

NM_003901.4(SGPL1):c.1638G>A (p.Leu546=)

Gene: SGPL1 (sphingosine-1-phosphate lyase 1; plus strand). Cytogenetic location: 10q22.1.
Variant type: single nucleotide variant.
Coding change: c.1638G>A on transcript NM_003901.4 (MANE Select); coding-DNA position 1638, G replaced by A.
Protein change: p.Leu546=; no amino-acid change (leucine 546 retained).
Molecular consequence: synonymous variant.
Genome position (GRCh38, 1-based): chr10:70,877,266, G>A. VCF-style: chr10-70877266-G-A. GRCh37 (hg19) VCF-style: chr10-72637023-G-A.
Other names: c.1638G>A (NM_003901.3).
Identifiers: ClinVar variation 2196780 (VCV002196780.6), dbSNP rs145816310, ClinGen allele CA5541539.
Genomic context (GRCh38, chr10:70,877,266, plus strand): 5'-TGGCATGGCCCAGACAACTGTTGACAGGAATATGGTTGCAGAATTGTCCTCAGTCTTCTT[G>A]GACAGCTTGTACAGCACCGACACTGTCACCCAGGGCAGCCAGATGAATGGTTCTCCAAAA-3'
Protein context (NP_003892.2, residues 536-556): NMVAELSSVF[Leu546=]DSLYSTDTVT